The following is an entry in ClinVar:

ClinVar aggregate classification (germline): Uncertain significance. Review status: criteria provided, multiple submitters, no conflicts (2 of 4 stars). 2 submissions from 2 submitters: Uncertain significance (2). Last evaluated 2024-08-28.

Conditions:
Brachyolmia-amelogenesis imperfecta syndrome. Also called: Tooth agenesis, selective, 6; Dental anomalies and short stature; PLATYSPONDYLY WITH AMELOGENESIS IMPERFECTA. Identifiers: Orphanet 2899, MedGen C1832594, MONDO:0011018, OMIM 601216. Disease mechanism: loss of function.
Inborn genetic diseases. Identifiers: MedGen C0950123, MeSH D030342.

Allele frequency attached by ClinVar (database versions not stated): TOPMed below 0.00001; gnomAD exomes 0.00001.

Submissions (2):

Labcorp Genetics (formerly Invitae), Labcorp
Classification: Uncertain significance for Brachyolmia-amelogenesis imperfecta syndrome. Last evaluated: 2024-08-28. Review status: criteria provided, single submitter. Criteria: Invitae Variant Classification Sherloc (09022015). Collection method: clinical testing. Allele origin: germline.
Comment: This sequence change replaces proline, which is neutral and non-polar, with leucine, which is neutral and non-polar, at codon 1089 of the LTBP3 protein (p.Pro1089Leu). The frequency data for this variant in the population databases is considered unreliable, as metrics indicate poor data quality at this position in the gnomAD database. This variant has not been reported in the literature in individuals affected with LTBP3-related conditions. An algorithm developed to predict the effect of missense changes on protein structure and function (PolyPhen-2) suggests that this variant is likely to be disruptive. In summary, the available evidence is currently insufficient to determine the role of this variant in disease. Therefore, it has been classified as a Variant of Uncertain Significance.

Ambry Genetics
Classification: Uncertain significance for Inborn genetic diseases. Last evaluated: 2023-12-08. Review status: criteria provided, single submitter. Criteria: Ambry Variant Classification Scheme 2023. Collection method: clinical testing. Allele origin: germline.

NM_001130144.3(LTBP3):c.3266C>T (p.Pro1089Leu)

Genes: LTBP3 (latent transforming growth factor beta binding protein 3; minus strand), LOC121832793 (Sharpr-MPRA regulatory region 4001; plus strand). Cytogenetic location: 11q13.1.
Variant type: single nucleotide variant.
Coding change: c.3266C>T on transcript NM_001130144.3 (MANE Select); coding-DNA position 3266, C replaced by T.
Protein change: p.Pro1089Leu; replaces proline 1089 with leucine.
Molecular consequence: missense variant. On other transcripts: intron variant (2).
Genome position (GRCh38, 1-based): chr11:65,540,132, G>A on the plus strand (C>T on the coding strand, the complement: LTBP3 is on the minus strand). VCF-style: chr11-65540132-G-A. GRCh37 (hg19) VCF-style: chr11-65307603-G-A.
Other names: c.3266C>T (NM_001130144.2); c.2893+113C>T (NM_001164266.1); c.3244+113C>T (NM_021070.4); short protein forms P1089L.
Identifiers: ClinVar variation 3014252 (VCV003014252.4), dbSNP rs1463356330, ClinGen allele CA381267257.